The following is an entry in ClinVar:

NM_033004.4(NLRP1):c.1223T>C (p.Ile408Thr)

Gene: NLRP1 (NLR family pyrin domain containing 1; minus strand). Cytogenetic location: 17p13.2.
Variant type: single nucleotide variant.
Coding change: c.1223T>C on transcript NM_033004.4 (MANE Select); coding-DNA position 1223, T replaced by C.
Protein change: p.Ile408Thr; replaces isoleucine 408 with threonine.
Molecular consequence: missense variant.
Genome position (GRCh38, 1-based): chr17:5,559,473, A>G on the plus strand (T>C on the coding strand, the complement: NLRP1 is on the minus strand). VCF-style: chr17-5559473-A-G. GRCh37 (hg19) VCF-style: chr17-5462793-A-G.
Other names: c.1223T>C, p.Ile408Thr (NM_001033053.3, NM_014922.5, NM_033006.4 and 1 more transcripts); short protein forms I408T.
Identifiers: ClinVar variation 2967483 (VCV002967483.3), dbSNP rs1319898474, ClinGen allele CA397386497.

ClinVar aggregate classification (germline): Uncertain significance (1 of 4 stars; one submission).

Allele frequency attached by ClinVar (database versions not stated): gnomAD exomes below 0.00001; gnomAD 0.00001.
gnomAD v4.1: 3 of 1,614,086 alleles (0.00019%); highest among the groups gnomAD compares: Non-Finnish European, 0.00025%; no homozygotes.

Submission:

Labcorp Genetics (formerly Invitae), Labcorp
Classification: Uncertain significance. Last evaluated: 2024-01-09. Review status: criteria provided, single submitter. Criteria: Invitae Variant Classification Sherloc (09022015). Collection method: clinical testing. Allele origin: germline.
Comment: This sequence change replaces isoleucine, which is neutral and non-polar, with threonine, which is neutral and polar, at codon 408 of the NLRP1 protein (p.Ile408Thr). The frequency data for this variant in the population databases is considered unreliable, as metrics indicate poor data quality at this position in the gnomAD database. This variant has not been reported in the literature in individuals affected with NLRP1-related conditions. An algorithm developed to predict the effect of missense changes on protein structure and function (PolyPhen-2) suggests that this variant is likely to be disruptive. In summary, the available evidence is currently insufficient to determine the role of this variant in disease. Therefore, it has been classified as a Variant of Uncertain Significance.